The following is an entry in ClinVar:

NM_022552.5(DNMT3A):c.14C>T (p.Pro5Leu)

Gene: DNMT3A (DNA methyltransferase 3 alpha; minus strand). Cytogenetic location: 2p23.3.
Variant type: single nucleotide variant.
Coding change: c.14C>T on transcript NM_022552.5 (MANE Select); coding-DNA position 14, C replaced by T.
Protein change: p.Pro5Leu; replaces proline 5 with leucine.
Molecular consequence: missense variant. On other transcripts: non-coding transcript variant (1).
Genome position (GRCh38, 1-based): chr2:25,313,971, G>A on the plus strand (C>T on the coding strand, the complement: DNMT3A is on the minus strand). VCF-style: chr2-25313971-G-A. GRCh37 (hg19) VCF-style: chr2-25536840-G-A.
Other names: c.14C>T, p.Pro5Leu (NM_001320892.2, NM_175629.2, NM_175630.1); short protein forms P5L.
Identifiers: ClinVar variation 3345555 (VCV003345555.1).
Genomic context (GRCh38, chr2:25,313,971, plus strand): 5'-ACCTTTCGGTCCTCCTCCCGCTCCGCAGCAGAGCTGCTGGTGTCCCCGGGGCCGCTGGAG[G>A]GCATGGCGGGCATCTGGGCGCCGGGAGGCAGGCTGGGGCTGCGCGGGGCTGGGGGGCTGC-3'
Protein context (NP_072046.2, residues 1-15): MPAM[Pro5Leu]SSGPGDTSSS

ClinVar aggregate classification (germline): Uncertain significance (0 of 4 stars; one submission).

Conditions:
DNMT3A-related disorder. Also called: DNMT3A-related condition; DNMT3A-related disorders.

Submission:

PreventionGenetics, part of Exact Sciences
Classification: Uncertain significance for DNMT3A-related condition. Last evaluated: 2024-05-01. Review status: no assertion criteria provided. Collection method: clinical testing. Allele origin: germline.
Comment: The DNMT3A c.14C>T variant is predicted to result in the amino acid substitution p.Pro5Leu. To our knowledge, this variant has not been reported in the literature or in a large population database, indicating this variant is rare. At this time, the clinical significance of this variant is uncertain due to the absence of conclusive functional and genetic evidence.